The following is an entry in ClinVar:

ClinVar aggregate classification (germline): Pathogenic (1 of 4 stars; one submission).

Submission:

Labcorp Genetics (formerly Invitae), Labcorp
Classification: Pathogenic. Last evaluated: 2025-06-12. Review status: criteria provided, single submitter. Criteria: Invitae Variant Classification Sherloc (09022015). Collection method: clinical testing. Allele origin: germline.
Comment: This sequence change creates a premature translational stop signal (p.Glu152Trpfs*4) in the APRT gene. While this is not anticipated to result in nonsense mediated decay, it is expected to disrupt the last 29 amino acid(s) of the APRT protein. This variant is not present in population databases (gnomAD no frequency). This variant has not been reported in the literature in individuals affected with APRT-related conditions. ClinVar contains an entry for this variant (Variation ID: 3656040). Algorithms developed to predict the effect of sequence changes on RNA splicing suggest that this variant may disrupt the consensus splice site. This variant disrupts a region of the APRT protein in which other variant(s) (p.Phe174del) have been determined to be pathogenic (PMID: 3680503, 23430916). This suggests that this is a clinically significant region of the protein, and that variants that disrupt it are likely to be disease-causing. For these reasons, this variant has been classified as Pathogenic.

Literature cited by the submitters: PubMed 3680503; PubMed 23430916.

NM_000485.3(APRT):c.452_453dup (p.Glu152fs)

Gene: APRT (adenine phosphoribosyltransferase; minus strand). Cytogenetic location: 16q24.3.
Variant type: Duplication.
Coding change: c.452_453dup on transcript NM_000485.3 (MANE Select); coding-DNA positions 452 to 453, 2 bases duplicated (TG; older notation c.452_453dupTG).
Protein change: p.Glu152fs; shifts the reading frame from glutamic acid 152.
Molecular consequence: frameshift variant. On other transcripts: intron variant (1).
Genome position (GRCh38, 1-based): chr16:88,809,788-88,809,789, CA duplicated on the plus strand (TG on the coding strand, the reverse complement: APRT is on the minus strand). VCF-style (leftmost placement, unchanged base first): chr16-88809787-C-CCA. GRCh37 (hg19) VCF-style: chr16-88876195-C-CCA.
Other names: c.401-83_401-82dup (NM_001030018.2); short protein forms E152fs.
Identifiers: ClinVar variation 3656040 (VCV003656040.2).
Genomic context (GRCh38, chr16:88,809,787, plus strand): 5'-GTACAGGTGCCAGCTTCTCCCTGCCCTTAAGCGAGGTCAGCTCCACCAGGCTCACGCACT[C>CCA]CAGGACCTCAGCCTGCAGGCGGCCCAGCAGCTCACAGGCAGCGTTCATGGTTCCTGGGGA-3'